The following is an entry in ClinVar:

ClinVar aggregate classification (germline): Likely pathogenic (1 of 4 stars; one submission).

Conditions:
MED12-Related Disorders. Also called: MED12-related disorder; MED12-related condition. Identifiers: MedGen CN381102.

Submission:

Women's Health and Genetics/Laboratory Corporation of America, LabCorp
Classification: Likely pathogenic for MED12-Related Disorders. Last evaluated: 2022-08-04. Review status: criteria provided, single submitter. Criteria: LabCorp Variant Classification Summary - May 2015. Collection method: clinical testing. Allele origin: germline.
Comment: Variant summary: MED12 c.2541+1G>A is located in a canonical splice-site and is predicted to affect mRNA splicing resulting in a significantly altered protein due to either exon skipping, shortening, or inclusion of intronic material. Several computational tools predict a significant impact on normal splicing: Four predict the variant abolishes a 5 prime splicing donor site. However, these predictions have yet to be confirmed by functional studies. The variant was absent in 181790 control chromosomes. To our knowledge, no occurrence of c.2541+1G>A in individuals affected with MED12-Related Disorders and no experimental evidence demonstrating its impact on protein function have been reported. No clinical diagnostic laboratories have submitted clinical-significance assessments for this variant to ClinVar after 2014. Based on the evidence outlined above, the variant was classified as likely pathogenic.

NM_005120.3(MED12):c.2541+1G>A

Gene: MED12 (mediator complex subunit 12; plus strand). Cytogenetic location: Xq13.1.
Variant type: single nucleotide variant.
Coding change: c.2541+1G>A on transcript NM_005120.3 (MANE Select); the canonical splice donor site of the intron after coding-DNA position 2541, G replaced by A.
Molecular consequence: splice donor variant.
Genome position (GRCh38, 1-based): chrX:71,126,155, G>A. VCF-style: chrX-71126155-G-A. GRCh37 (hg19) VCF-style: chrX-70346005-G-A.
Identifiers: ClinVar variation 1705038 (VCV001705038.1), dbSNP rs2519682264, ClinGen allele CA413515663.